The following is an entry in ClinVar:

NM_000302.4(PLOD1):c.976-7_976-2dup

Gene: PLOD1 (procollagen-lysine,2-oxoglutarate 5-dioxygenase 1; plus strand). Cytogenetic location: 1p36.22.
Variant type: Duplication.
Coding change: c.976-7_976-2dup on transcript NM_000302.4 (MANE Select); 7 bases into the intron before coding-DNA position 976 through the canonical splice acceptor site of the intron before coding-DNA position 976, 6 bases duplicated (ACCCCA; older notation c.976-7_976-2dupACCCCA).
Molecular consequence: splice acceptor variant.
Genome position (GRCh38, 1-based): chr1:11,960,639-11,960,644, ACCCCA duplicated; duplicating any 6 consecutive bases within chr1:11,960,634-11,960,644 gives the same sequence; the c. name uses the placement nearest the transcript's 3' end. VCF-style (leftmost placement, unchanged base first): chr1-11960633-T-TCCCCAA. GRCh37 (hg19) VCF-style: chr1-12020690-T-TCCCCAA.
Other names: c.1117-7_1117-2dup (NM_001316320.2).
Identifiers: ClinVar variation 1994164 (VCV001994164.4), dbSNP rs2522841003, ClinGen allele CA2580060537.

ClinVar aggregate classification (germline): Uncertain significance (1 of 4 stars; one submission).

Conditions:
Ehlers-Danlos syndrome, kyphoscoliotic type 1 (EDSKSCL1). Also called: EHLERS-DANLOS SYNDROME, TYPE VIA; Ehlers-Danlos syndrome, hydroxylysine-deficient; EHLERS-DANLOS SYNDROME, OCULAR-SCOLIOTIC TYPE; PLOD1-Related Kyphoscoliotic Ehlers-Danlos Syndrome. Identifiers: Orphanet 1900, MedGen C0268342, MONDO:0016002, OMIM 225400. Disease mechanism: loss of function.

Submission:

Labcorp Genetics (formerly Invitae), Labcorp
Classification: Uncertain significance for Ehlers-Danlos syndrome, kyphoscoliotic type 1. Last evaluated: 2022-05-13. Review status: criteria provided, single submitter. Criteria: Invitae Variant Classification Sherloc (09022015). Collection method: clinical testing. Allele origin: germline.
Comment: This sequence change falls in intron 9 of the PLOD1 gene. It does not directly change the encoded amino acid sequence of the PLOD1 protein. This variant is not present in population databases (gnomAD no frequency). In summary, the available evidence is currently insufficient to determine the role of this variant in disease. Therefore, it has been classified as a Variant of Uncertain Significance. Experimental studies and prediction algorithms are not available or were not evaluated, and the effect of this variant on mRNA splicing is currently unknown. This variant has not been reported in the literature in individuals affected with PLOD1-related conditions.